The following is an entry in ClinVar:

NM_001267550.2(TTN):c.53060G>T (p.Gly17687Val)

Genes: TTN (titin; minus strand), TTN-AS1 (TTN antisense RNA 1; plus strand), LOC126806425 (BRD4-independent group 4 enhancer GRCh37_chr2:179471933-179473132; plus strand). Cytogenetic location: 2q31.2.
Variant type: single nucleotide variant.
Coding change: c.53060G>T on transcript NM_001267550.2 (MANE Select); coding-DNA position 53060, G replaced by T.
Protein change: p.Gly17687Val; replaces glycine 17687 with valine.
Molecular consequence: missense variant.
Genome position (GRCh38, 1-based): chr2:178,607,628, C>A on the plus strand (G>T on the coding strand, the complement: TTN is on the minus strand). VCF-style: chr2-178607628-C-A. GRCh37 (hg19) VCF-style: chr2-179472355-C-A.
Other names: p.G16046V:GGG>GTG; c.48137G>T, p.Gly16046Val (NM_001256850.1); c.25865G>T, p.Gly8622Val (NM_003319.4); c.45356G>T, p.Gly15119Val (NM_133378.4); c.26240G>T, p.Gly8747Val (NM_133432.3); c.26441G>T, p.Gly8814Val (NM_133437.4); short protein forms G16046V, G17687V, G8622V, G8814V, G8747V, G15119V.
Identifiers: ClinVar variation 202707 (VCV000202707.10), dbSNP rs780672348, ClinGen allele CA310043.

ClinVar aggregate classification (germline): Uncertain significance. Review status: criteria provided, multiple submitters, no conflicts (2 of 4 stars). 4 submissions from 4 submitters: Uncertain significance (4). Last evaluated 2021-08-03.

Conditions:
Cardiovascular phenotype. Identifiers: MedGen CN230736.
Myopathy, myofibrillar, 9, with early respiratory failure (MFM9). Also called: EDSTROM MYOPATHY; MYOPATHY, PROXIMAL, WITH EARLY RESPIRATORY MUSCLE INVOLVEMENT; Myopathy, distal, with early respiratory failure, autosomal dominant; Hereditary myopathy with early respiratory failure. Identifiers: Orphanet 178464, Orphanet 34521, MedGen C1863599, MONDO:0011362, OMIM 603689.
Early-onset myopathy with fatal cardiomyopathy (CMYO5). Also called: CONGENITAL MYOPATHY 5 WITH CARDIOMYOPATHY; Salih Myopathy. Identifiers: Orphanet 289377, MedGen C2673677, MONDO:0012714, OMIM 611705. Disease mechanism: loss of function.
Hypertrophic cardiomyopathy 9. Also called: Familial hypertrophic cardiomyopathy 9. Identifiers: MedGen C1861065, MONDO:0013412, OMIM 613765.
Dilated cardiomyopathy 1G (CMD1G). Identifiers: Orphanet 154, MedGen C1858763, MONDO:0011400, OMIM 604145.
Tibial muscular dystrophy (TMD). Also called: UDD MYOPATHY; Tibial muscular dystrophy, tardive; Udd Distal Myopathy – Tibial Muscular Dystrophy. Identifiers: Orphanet 609, MedGen C1838244, MONDO:0010870, OMIM 600334.
Autosomal recessive limb-girdle muscular dystrophy type 2J (LGMDR10). Also called: MUSCULAR DYSTROPHY, LIMB-GIRDLE, AUTOSOMAL RECESSIVE 10; Limb-girdle muscular dystrophy, type 2J. Identifiers: Orphanet 140922, MedGen C1837342, MONDO:0012127, OMIM 608807.

Allele frequency attached by ClinVar (database versions not stated): gnomAD 0.00004; TOPMed 0.00004.
gnomAD v4.1: 57 of 1,612,922 alleles (0.0035%); highest among the groups gnomAD compares: Non-Finnish European, 0.0048%; no homozygotes.

Submissions (4):

Fulgent Genetics
Classification: Uncertain significance for Tibial muscular dystrophy; Myopathy, myofibrillar, 9, with early respiratory failure; Dilated cardiomyopathy 1G; Autosomal recessive limb-girdle muscular dystrophy type 2J; Early-onset myopathy with fatal cardiomyopathy; Hypertrophic cardiomyopathy 9. Last evaluated: 2021-08-03. Review status: criteria provided, single submitter. Criteria: ACMG Guidelines, 2015. Collection method: clinical testing. Allele origin: unknown.

Ambry Genetics
Classification: Uncertain significance for Cardiovascular phenotype. Last evaluated: 2020-06-25. Review status: criteria provided, single submitter. Criteria: Ambry Variant Classification Scheme 2023. Collection method: clinical testing. Allele origin: germline.
Comment: The p.G8622V variant (also known as c.25865G>T), located in coding exon 104 of the TTN gene, results from a G to T substitution at nucleotide position 25865. The glycine at codon 8622 is replaced by valine, an amino acid with dissimilar properties. This amino acid position is highly conserved in available vertebrate species. In addition, the in silico prediction for this alteration is inconclusive. Since supporting evidence is limited at this time, the clinical significance of this alteration remains unclear.

Revvity Omics, Revvity
Classification: Uncertain significance. Last evaluated: 2019-03-14. Review status: criteria provided, single submitter. Criteria: ACMG Guidelines, 2015. Collection method: clinical testing. Allele origin: germline.

GeneDx
Classification: Uncertain significance. Last evaluated: 2014-04-14. Review status: criteria provided, single submitter. Criteria: GeneDx Variant Classification (06012015). Collection method: clinical testing. Allele origin: germline. Affected: yes.
Comment: Missense variants in the TTN gene are considered 'unclassified' if they are not previously reported in the literature and do not have >1% frequency in the population to be considered a polymorphism. Research indicates that truncating mutations in the TTN gene are expected to account for approximately 25% of familial and 18% of sporadic idiopathic DCM; however, truncating variants in the TTN gene have been reported in approximately 3% of reported control alleles. There has been little investigation into non-truncating variants. (Herman D et al. Truncations of titin causing dilated cardiomyopathy. N Eng J Med 366:619-628, 2012) The variant is found in CARDIOMYOPATHY panel(s).